The following is an entry in ClinVar:

NM_001394062.1(MACF1):c.21196A>G (p.Arg7066Gly)

Gene: MACF1 (microtubule actin crosslinking factor 1; plus strand). Cytogenetic location: 1p34.3.
Variant type: single nucleotide variant.
Coding change: c.21196A>G on transcript NM_001394062.1 (MANE Select); coding-DNA position 21196, A replaced by G.
Protein change: p.Arg7066Gly; replaces arginine 7066 with glycine.
Molecular consequence: missense variant.
Genome position (GRCh38, 1-based): chr1:39,458,490, A>G. VCF-style: chr1-39458490-A-G. GRCh37 (hg19) VCF-style: chr1-39924162-A-G.
Other names: c.9274A>G, p.Arg3092Gly (NM_001397473.1); c.15019A>G, p.Arg5007Gly (NM_012090.5); short protein forms R3092G, R5007G, R7066G.
Identifiers: ClinVar variation 2881024 (VCV002881024.3), dbSNP rs145079541, ClinGen allele CA20923132.

ClinVar aggregate classification (germline): Uncertain significance (1 of 4 stars; one submission).

Allele frequency attached by ClinVar (database versions not stated): gnomAD exomes below 0.00001; ESP Exome Variant Server 0.00008.
gnomAD v4.1: 2 of 1,613,074 alleles (0.00012%); highest among the groups gnomAD compares: African/African-American, 0.0013%; no homozygotes.

Submission:

Labcorp Genetics (formerly Invitae), Labcorp
Classification: Uncertain significance. Last evaluated: 2023-05-09. Review status: criteria provided, single submitter. Criteria: Invitae Variant Classification Sherloc (09022015). Collection method: clinical testing. Allele origin: germline.
Comment: This sequence change replaces arginine, which is basic and polar, with glycine, which is neutral and non-polar, at codon 5007 of the MACF1 protein (p.Arg5007Gly). This variant is not present in population databases (gnomAD no frequency). This variant has not been reported in the literature in individuals affected with MACF1-related conditions. An algorithm developed to predict the effect of missense changes on protein structure and function (PolyPhen-2) suggests that this variant is likely to be tolerated. In summary, the available evidence is currently insufficient to determine the role of this variant in disease. Therefore, it has been classified as a Variant of Uncertain Significance.